The following is an entry in ClinVar:

NM_032119.4(ADGRV1):c.1563dup (p.Pro522fs)

Gene: ADGRV1 (adhesion G protein-coupled receptor V1; plus strand). Cytogenetic location: 5q14.3.
Variant type: Duplication.
Coding change: c.1563dup on transcript NM_032119.4 (MANE Select); coding-DNA position 1563, one base duplicated (T; older notation c.1563dupT).
Protein change: p.Pro522fs; shifts the reading frame from proline 522.
Molecular consequence: frameshift variant. On other transcripts: non-coding transcript variant (1).
Genome position (GRCh38, 1-based): chr5:90,629,263, T duplicated; the last of 6 consecutive T bases (chr5:90,629,258-90,629,263); duplicating any one gives the same sequence. VCF-style (leftmost placement, unchanged base first): chr5-90629257-A-AT. GRCh37 (hg19) VCF-style: chr5-89925074-A-AT.
Other names: c.1563dup (NM_032119.3); short protein forms P522fs.
Identifiers: ClinVar variation 1451470 (VCV001451470.5), dbSNP rs763243011, ClinGen allele CA3338717.

ClinVar aggregate classification (germline): Pathogenic. Review status: criteria provided, multiple submitters, no conflicts (2 of 4 stars). 2 submissions from 2 submitters: Pathogenic (2). Last evaluated 2025-06-09.

Submissions (2):

GeneDx
Classification: Pathogenic. Last evaluated: 2025-06-09. Review status: criteria provided, single submitter. Criteria: GeneDx Variant Classification Process June 2021. Collection method: clinical testing. Allele origin: germline. Affected: yes.
Comment: Frameshift variant predicted to result in protein truncation or nonsense mediated decay in a gene for which loss of function is a known mechanism of disease; Not observed at significant frequency in large population cohorts (gnomAD); This variant is associated with the following publications: (PMID: 31964843, 38347443, 21569298)

Labcorp Genetics (formerly Invitae), Labcorp
Classification: Pathogenic. Last evaluated: 2022-12-23. Review status: criteria provided, single submitter. Criteria: Invitae Variant Classification Sherloc (09022015). Collection method: clinical testing. Allele origin: germline.
Comment: For these reasons, this variant has been classified as Pathogenic. Algorithms developed to predict the effect of sequence changes on RNA splicing suggest that this variant may disrupt the consensus splice site. ClinVar contains an entry for this variant (Variation ID: 1451470). This premature translational stop signal has been observed in individual(s) with Usher syndrome (PMID: 21569298). This variant is present in population databases (rs763243011, gnomAD 0.003%). This sequence change creates a premature translational stop signal (p.Pro522Serfs*8) in the ADGRV1 gene. It is expected to result in an absent or disrupted protein product. Loss-of-function variants in ADGRV1 are known to be pathogenic (PMID: 19357117, 22135276, 22147658, 26226137, 30718709, 31047384, 32467589).

Literature cited by the submitters: PubMed 21569298 (cited by Labcorp Genetics (formerly Invitae), Labcorp); PubMed 19357117 (cited by Labcorp Genetics (formerly Invitae), Labcorp); PubMed 22135276 (cited by Labcorp Genetics (formerly Invitae), Labcorp); PubMed 22147658 (cited by Labcorp Genetics (formerly Invitae), Labcorp); PubMed 26226137 (cited by Labcorp Genetics (formerly Invitae), Labcorp); PubMed 30718709 (cited by Labcorp Genetics (formerly Invitae), Labcorp); PubMed 31047384 (cited by Labcorp Genetics (formerly Invitae), Labcorp); PubMed 32467589 (cited by Labcorp Genetics (formerly Invitae), Labcorp).